The following is an entry in ClinVar:

ClinVar aggregate classification (germline): Conflicting classifications of pathogenicity. Review status: criteria provided, conflicting classifications (1 of 4 stars). 3 submissions from 3 submitters: Uncertain significance (1); Likely benign (2). Last evaluated 2026-04-01.

Allele frequency attached by ClinVar (database versions not stated): ExAC 0.00004; gnomAD exomes 0.00006; gnomAD 0.00008 and 0.00009; TOPMed 0.00008.
gnomAD v4.1: 93 of 1,614,022 alleles (0.0058%); highest among the groups gnomAD compares: Middle Eastern, 0.016%; no homozygotes.

Submissions (3):

CeGaT Center for Human Genetics Tuebingen
Classification: Likely benign. Last evaluated: 2026-04-01. Review status: criteria provided, single submitter. Criteria: CeGaT Center For Human Genetics Tuebingen Variant Classification Criteria Version 2. Collection method: clinical testing. Allele origin: germline. Affected: yes. Observed: 1 variant allele.
Comment: ATP8A2: BP4, BP7

Labcorp Genetics (formerly Invitae), Labcorp
Classification: Likely benign. Last evaluated: 2025-10-02. Review status: criteria provided, single submitter. Criteria: Invitae Variant Classification Sherloc (09022015). Collection method: clinical testing. Allele origin: germline.

Breakthrough Genomics
Classification: Uncertain significance. Review status: criteria provided, single submitter. Criteria: ACMG Guidelines, 2015. Collection method: not provided. Allele origin: germline. Inheritance: Autosomal recessive inheritance. Affected: yes.

NM_016529.6(ATP8A2):c.2466C>T (p.Gly822=)

Gene: ATP8A2 (ATPase phospholipid transporting 8A2). Cytogenetic location: 13q12.13.
Variant type: single nucleotide variant.
Coding change: c.2466C>T on transcript NM_016529.6 (MANE Select); coding-DNA position 2466, C replaced by T.
Protein change: p.Gly822=; no amino-acid change (glycine 822 retained).
Molecular consequence: synonymous variant.
Genome position (GRCh38, 1-based): chr13:25,769,127, C>T. VCF-style: chr13-25769127-C-T. GRCh37 (hg19) VCF-style: chr13-26343265-C-T.
Other names: c.2346C>T, p.Gly782= (NM_001313741.1).
Identifiers: ClinVar variation 1478445 (VCV001478445.11), dbSNP rs764838044, ClinGen allele CA6923341.
Genomic context (GRCh38, chr13:25,769,127, plus strand): 5'-TGAGATAGTGGATGTGGTGAAGAAGCGGGTGAAGGCCATCACCCTCGCCATCGGAGACGG[C>T]GCCAACGATGTCGGGATGATCCAGACAGCCCACGTGGGTGTGGGAATCAGTGGGAATGAA-3'
Protein context (NP_057613.4, residues 812-832): VKAITLAIGD[Gly822=]ANDVGMIQTA